The following is an entry in ClinVar:

ClinVar aggregate classification (germline): Uncertain significance (1 of 4 stars; one submission).

Conditions:
Nemaline myopathy 2 (NEM2). Also called: Nemaline myopathy 2, autosomal recessive. Identifiers: MedGen C1850569, MONDO:0009725, OMIM 256030.

Submission:

Labcorp Genetics (formerly Invitae), Labcorp
Classification: Uncertain significance for Nemaline myopathy 2. Last evaluated: 2022-01-13. Review status: criteria provided, single submitter. Criteria: Invitae Variant Classification Sherloc (09022015). Collection method: clinical testing. Allele origin: germline.
Comment: This sequence change replaces glutamic acid, which is acidic and polar, with lysine, which is basic and polar, at codon 1458 of the NEB protein (p.Glu1458Lys). This variant is not present in population databases (gnomAD no frequency). This variant has not been reported in the literature in individuals affected with NEB-related conditions. ClinVar contains an entry for this variant (Variation ID: 578689). Algorithms developed to predict the effect of missense changes on protein structure and function are either unavailable or do not agree on the potential impact of this missense change (SIFT: "Deleterious"; PolyPhen-2: "Not Available"; Align-GVGD: "Class C0"). In summary, the available evidence is currently insufficient to determine the role of this variant in disease. Therefore, it has been classified as a Variant of Uncertain Significance.

NM_001164508.2(NEB):c.4372G>A (p.Glu1458Lys)

Gene: NEB (nebulin; minus strand). Cytogenetic location: 2q23.3.
Variant type: single nucleotide variant.
Coding change: c.4372G>A on transcript NM_001164508.2 (MANE Select); coding-DNA position 4372, G replaced by A.
Protein change: p.Glu1458Lys; replaces glutamic acid 1458 with lysine.
Molecular consequence: missense variant.
Genome position (GRCh38, 1-based): chr2:151,671,157, C>T on the plus strand (G>A on the coding strand, the complement: NEB is on the minus strand). VCF-style: chr2-151671157-C-T. GRCh37 (hg19) VCF-style: chr2-152527671-C-T.
Other names: c.4372G>A, p.Glu1458Lys (NM_001164507.2, NM_001271208.2, NM_004543.5); short protein forms E1458K.
Identifiers: ClinVar variation 578689 (VCV000578689.6), dbSNP rs1559073472, ClinGen allele CA348815844.